The following is an entry in ClinVar:

NM_019842.4(KCNQ5):c.1125+3A>G

Gene: KCNQ5 (potassium voltage-gated channel subfamily Q member 5; plus strand). Cytogenetic location: 6q13.
Variant type: single nucleotide variant.
Coding change: c.1125+3A>G on transcript NM_019842.4 (MANE Select); 3 bases into the intron after coding-DNA position 1125, A replaced by G.
Molecular consequence: intron variant.
Genome position (GRCh38, 1-based): chr6:73,111,406, A>G. VCF-style: chr6-73111406-A-G. GRCh37 (hg19) VCF-style: chr6-73821129-A-G.
Other names: c.1125+3A>G (NM_001160133.2, NM_001160134.2, NM_001160132.2 and 1 more transcripts).
Identifiers: ClinVar variation 1524946 (VCV001524946.1), dbSNP rs2150427229, ClinGen allele CA2573141119.

ClinVar aggregate classification (germline): Uncertain significance (1 of 4 stars; one submission).

gnomAD v4.1: 2 of 1,597,178 alleles (0.00013%); highest among the groups gnomAD compares: Admixed American, 0.0035%; no homozygotes.

Submission:

Labcorp Genetics (formerly Invitae), Labcorp
Classification: Uncertain significance. Last evaluated: 2021-04-10. Review status: criteria provided, single submitter. Criteria: Invitae Variant Classification Sherloc (09022015). Collection method: clinical testing. Allele origin: germline.
Comment: This sequence change falls in intron 7 of the KCNQ5 gene. It does not directly change the encoded amino acid sequence of the KCNQ5 protein. It affects a nucleotide within the consensus splice site of the intron. This variant is not present in population databases (ExAC no frequency). This variant has not been reported in the literature in individuals with KCNQ5-related conditions. Nucleotide substitutions within the consensus splice site are a relatively common cause of aberrant splicing (PMID: 17576681, 9536098). Algorithms developed to predict the effect of sequence changes on RNA splicing suggest that this variant may disrupt the consensus splice site, but this prediction has not been confirmed by published transcriptional studies. In summary, the available evidence is currently insufficient to determine the role of this variant in disease. Therefore, it has been classified as a Variant of Uncertain Significance.

Literature cited by the submitters: PubMed 17576681; PubMed 9536098.